The following is an entry in ClinVar:

ClinVar aggregate classification (germline): Pathogenic/Likely pathogenic. Review status: criteria provided, multiple submitters, no conflicts (2 of 4 stars). 4 submissions from 4 submitters: Pathogenic (2); Likely pathogenic (2). Last evaluated 2025-11-10.

Conditions:
Retinitis pigmentosa (RP). Identifiers: Orphanet 791, MedGen C0035334, MeSH D012174, MONDO:0019200, OMIM 268000. Inheritance: Autosomal dominant, autosomal recessive and X linked inheritance.
Leber congenital amaurosis 14 (LCA14). Identifiers: MedGen C2750063, MONDO:0013231, OMIM 613341.
LRAT-related disorder. Also called: LRAT-related condition.

Allele frequency attached by ClinVar (database versions not stated): TOPMed 0.00004.

Submissions (4):

GeneDx
Classification: Pathogenic. Last evaluated: 2025-11-10. Review status: criteria provided, single submitter. Criteria: GeneDx Variant Classification Process June 2021. Collection method: clinical testing. Allele origin: germline. Affected: yes.
Comment: Nonsense variant predicted to result in protein truncation or nonsense mediated decay in a gene for which loss of function is a known mechanism of disease; This variant is associated with the following publications: (PMID: 31964843, 36369640, 38927562)

Labcorp Genetics (formerly Invitae), Labcorp
Classification: Pathogenic. Last evaluated: 2023-09-26. Review status: criteria provided, single submitter. Criteria: Invitae Variant Classification Sherloc (09022015). Collection method: clinical testing. Allele origin: germline.
Comment: This sequence change creates a premature translational stop signal (p.Arg47*) in the LRAT gene. It is expected to result in an absent or disrupted protein product. Loss-of-function variants in LRAT are known to be pathogenic (PMID: 22559933, 24265693). This variant is present in population databases (no rsID available, gnomAD 0.007%). This variant has not been reported in the literature in individuals affected with LRAT-related conditions. ClinVar contains an entry for this variant (Variation ID: 817558). For these reasons, this variant has been classified as Pathogenic.

Department of Pathology and Laboratory Medicine, Sinai Health System
Classification: Likely pathogenic for Retinitis pigmentosa; Leber congenital amaurosis 14. Last evaluated: 2022-06-20. Review status: criteria provided, single submitter. Criteria: ACMG Guidelines, 2015. Collection method: research. Allele origin: germline.

Blueprint Genetics
Classification: Likely pathogenic for LRAT-related disorders. Last evaluated: 2021-09-08. Review status: criteria provided, single submitter. Criteria: ACMG Guidelines, 2015. Collection method: clinical testing. Allele origin: germline. Affected: yes. Observed: 3 variant alleles.

Literature cited by the submitters: PubMed 22559933 (cited by Labcorp Genetics (formerly Invitae), Labcorp); PubMed 24265693 (cited by Labcorp Genetics (formerly Invitae), Labcorp).

NM_004744.5(LRAT):c.139C>T (p.Arg47Ter)

Gene: LRAT (lecithin retinol acyltransferase; plus strand). Cytogenetic location: 4q32.1.
Variant type: single nucleotide variant.
Coding change: c.139C>T on transcript NM_004744.5 (MANE Select); coding-DNA position 139, C replaced by T.
Protein change: p.Arg47Ter; replaces arginine 47 with a stop codon.
Molecular consequence: nonsense.
Genome position (GRCh38, 1-based): chr4:154,744,465, C>T. VCF-style: chr4-154744465-C-T. GRCh37 (hg19) VCF-style: chr4-155665617-C-T.
Other names: c.139C>T, p.Arg47Ter (NM_001301645.2); short protein forms R47*.
Identifiers: ClinVar variation 817558 (VCV000817558.14), dbSNP rs779996159, ClinGen allele CA108930202.
Genomic context (GRCh38, chr4:154,744,465, plus strand): 5'-TCGGGCGCCGCGGGCGAAGACAAAGGGAGGAACAGTTTTTATGAAACCAGCTCTTTCCAC[C>T]GAGGCGACGTGCTGGAGGTGCCCCGGACCCACCTGACCCACTATGGCATCTACCTAGGAG-3'